The following is an entry in ClinVar:

ClinVar aggregate classification (germline): Benign (1 of 4 stars; one submission).

Conditions:
Glycogen storage disease IXd (GSD9D). Also called: GSD IXd; Muscle Phosphorylase Kinase Deficiency. Identifiers: Orphanet 715, MedGen C1845151, MONDO:0010362, OMIM 300559.

Allele frequency attached by ClinVar (database versions not stated): TOPMed 0.00002; gnomAD exomes 0.00003; ExAC 0.00004.
gnomAD v4.1: 9 of 1,210,291 alleles (0.00074%); highest among the groups gnomAD compares: East Asian, 0.015%; no homozygotes.

Submission:

Illumina Laboratory Services, Illumina
Classification: Benign for Glycogen storage disease IXd. Last evaluated: 2018-01-13. Review status: criteria provided, single submitter. Criteria: ICSL Variant Classification Criteria 13 December 2019. Collection method: clinical testing. Allele origin: germline.
Comment: This variant was observed in the ICSL laboratory as part of a predisposition screen in an ostensibly healthy population. It had not been previously curated by ICSL or reported in the Human Gene Mutation Database (HGMD: prior to June 1st, 2018), and was therefore a candidate for classification through an automated scoring system. Utilizing variant allele frequency, disease prevalence and penetrance estimates, and inheritance mode, an automated score was calculated to assess if this variant is too frequent to cause the disease. Based on the score and internal cut-off values, a variant classified as benign is not then subjected to further curation. The score for this variant resulted in a classification of benign for this disease.

NM_002637.4(PHKA1):c.3669A>G (p.Gln1223=)

Gene: PHKA1 (phosphorylase kinase regulatory subunit alpha 1; minus strand). Cytogenetic location: Xq13.1.
Variant type: single nucleotide variant.
Coding change: c.3669A>G on transcript NM_002637.4 (MANE Select); coding-DNA position 3669, A replaced by G.
Protein change: p.Gln1223=; no amino-acid change (glutamine 1223 retained).
Molecular consequence: synonymous variant.
Genome position (GRCh38, 1-based): chrX:72,581,005, T>C on the plus strand (A>G on the coding strand, the complement: PHKA1 is on the minus strand). VCF-style: chrX-72581005-T-C. GRCh37 (hg19) VCF-style: chrX-71800855-T-C.
Other names: c.3630A>G, p.Gln1210= (NM_001122670.2); c.3453A>G, p.Gln1151= (NM_001172436.2).
Identifiers: ClinVar variation 368642 (VCV000368642.5), dbSNP rs782257959, ClinGen allele CA10450406.
Genomic context (GRCh38, chrX:72,581,005, plus strand): 5'-TCAACCGAGGCAGGGACCAGCTGTCAAAAGGCTCCCAGAAGCCAGGAACCAAAGCCCTCA[T>C]TGCATGGCACAGATGCTGTGGGGCAGGAACTCCTGCACGTAGGTGGCGGCTGCCTTGGAG-3'
Protein context (NP_002628.2, residues 1213-1223): EFLPHSICAM[Gln1223=]